The following is an entry in ClinVar:

ClinVar aggregate classification (germline): Conflicting classifications of pathogenicity. Review status: criteria provided, conflicting classifications (1 of 4 stars). 3 submissions from 3 submitters: Uncertain significance (1); Benign (1). 1 of the submissions does not count toward it. Last evaluated 2025-03-31.

Conditions:
CHD7-related disorder. Also called: CHD7-related condition.
Hypogonadotropic hypogonadism 5 with or without anosmia (KAL5). Also called: HYPOGONADOTROPIC HYPOGONADISM 5 WITH ANOSMIA; HYPOGONADOTROPHIC HYPOGONADISM 5 WITHOUT ANOSMIA; CHD7-Related GnRH Deficiency (Kallmann Syndrome 5). Identifiers: Orphanet 478, MedGen C3552553, MONDO:0012880, OMIM 612370. Disease mechanism: loss of function.
CHARGE syndrome (CHARGE). Also called: Hittner Hirsch Kreh syndrome; CHARGE ASSOCIATION--COLOBOMA, HEART ANOMALY, CHOANAL ATRESIA, RETARDATION, GENITAL AND EAR ANOMALIES; Coloboma, heart anomaly, choanal atresia, retardation, genital and ear anomalies; CHARGE association; Hall-Hittner syndrome. Identifiers: Orphanet 138, MedGen C0265354, MONDO:0008965.

Allele frequency attached by ClinVar (database versions not stated): ExAC 0.00002; ESP Exome Variant Server 0.00008.
gnomAD v4.1: 43 of 1,613,908 alleles (0.0027%); highest among the groups gnomAD compares: Non-Finnish European, 0.0034%; no homozygotes.

Submissions (3):

Labcorp Genetics (formerly Invitae), Labcorp
Classification: Benign for CHARGE syndrome. Last evaluated: 2025-03-31. Review status: criteria provided, single submitter. Criteria: Invitae Variant Classification Sherloc (09022015). Collection method: clinical testing. Allele origin: germline.

Fulgent Genetics
Classification: Uncertain significance for CHD7-related CHARGE syndrome; Hypogonadotropic hypogonadism 5 with or without anosmia. Last evaluated: 2024-01-04. Review status: criteria provided, single submitter. Criteria: ACMG Guidelines, 2015. Collection method: clinical testing. Allele origin: germline.

PreventionGenetics, part of Exact Sciences
Classification: Uncertain significance for CHD7-related condition. Last evaluated: 2024-04-29. Review status: no assertion criteria provided. Collection method: clinical testing. Allele origin: germline. Not counted in ClinVar's aggregate classification.
Comment: The CHD7 c.1117C>T variant is predicted to result in the amino acid substitution p.Leu373Phe. This variant has been reported in an individual with Kallmann syndrome (Supplemental Table 1, Costa-Barbosa et al 2013. PubMed ID: 23533228). This variant is reported in 0.013% of alleles in individuals of African descent in gnomAD. At this time, the clinical significance of this variant is uncertain due to the absence of conclusive functional and genetic evidence.

NM_017780.4(CHD7):c.1117C>T (p.Leu373Phe)

Gene: CHD7 (chromodomain helicase DNA binding protein 7; plus strand). Cytogenetic location: 8q12.2.
Variant type: single nucleotide variant.
Coding change: c.1117C>T on transcript NM_017780.4 (MANE Select); coding-DNA position 1117, C replaced by T.
Protein change: p.Leu373Phe; replaces leucine 373 with phenylalanine.
Molecular consequence: missense variant.
Genome position (GRCh38, 1-based): chr8:60,742,549, C>T. VCF-style: chr8-60742549-C-T. GRCh37 (hg19) VCF-style: chr8-61655108-C-T.
Other names: c.1117C>T (NM_017780.3); c.1117C>T, p.Leu373Phe (NM_001316690.1); short protein forms L373F.
Identifiers: ClinVar variation 2171872 (VCV002171872.7), dbSNP rs371635934, ClinGen allele CA4759434.
Genomic context (GRCh38, chr8:60,742,549, plus strand): 5'-TTCCCATCAAACAGTGGTCAAGGACTAATGCACCAGCAGCCCATCCACCCCAGTGGCTCA[C>T]TTAACCAAATGAACACACAAACTATGCATCCTTCACAGCCTCAGGGAACTTATGCCTCTC-3'
Protein context (NP_060250.2, residues 363-383): HQQPIHPSGS[Leu373Phe]NQMNTQTMHP